The following is an entry in ClinVar:

ClinVar aggregate classification (germline): Pathogenic (1 of 4 stars; one submission).

Conditions:
Ataxia-telangiectasia syndrome (AT). Also called: Ataxia telangiectasia (A-T); ATAXIA-TELANGIECTASIA, COMPLEMENTATION GROUP A; ATAXIA-TELANGIECTASIA, FRESNO VARIANT; Ataxia-telangiectasia; Ataxia-telangiectasia, complementation group E; LOUIS-BAR SYNDROME. Identifiers: Orphanet 100, MedGen C0004135, MONDO:0008840, OMIM 208900.

Submission:

Labcorp Genetics (formerly Invitae), Labcorp
Classification: Pathogenic for Ataxia-telangiectasia syndrome. Last evaluated: 2020-09-09. Review status: criteria provided, single submitter. Criteria: Invitae Variant Classification Sherloc (09022015). Collection method: clinical testing. Allele origin: germline.
Comment: This sequence change creates a premature translational stop signal (p.Leu2561Thrfs*10) in the ATM gene. It is expected to result in an absent or disrupted protein product. This variant is not present in population databases (ExAC no frequency). This variant has not been reported in the literature in individuals with ATM-related conditions. Loss-of-function variants in ATM are known to be pathogenic (PMID: 23807571, 25614872). For these reasons, this variant has been classified as Pathogenic.

Literature cited by the submitters: PubMed 23807571; PubMed 25614872.

NM_000051.4(ATM):c.7679dup (p.Leu2561fs)

Genes: ATM (ATM serine/threonine kinase; plus strand), C11orf65 (chromosome 11 open reading frame 65; minus strand). Cytogenetic location: 11q22.3.
Variant type: Duplication.
Coding change: c.7679dup on transcript NM_000051.4 (MANE Select); coding-DNA position 7679, one base duplicated (T; older notation c.7679dupT).
Protein change: p.Leu2561fs; shifts the reading frame from leucine 2561.
Molecular consequence: frameshift variant. On other transcripts: intron variant (2).
Genome position (GRCh38, 1-based): chr11:108,331,928, T duplicated. VCF-style (leftmost placement, unchanged base first): chr11-108331927-A-AT. GRCh37 (hg19) VCF-style: chr11-108202654-A-AT.
Other names: c.7679dup, p.Leu2561fs (NM_001351834.2); c.641-22857dup (NM_001330368.2); c.*38+3292dup (NM_001351110.2); short protein forms L2561fs.
Identifiers: ClinVar variation 1068581 (VCV001068581.8), dbSNP rs2136519577, ClinGen allele CA2499220716.
Genomic context (GRCh38, chr11:108,331,927, plus strand): 5'-CTTTTCTTACAGCTAATCTCTAGAATTTCAATGGATCACCCCCATCACACTTTGTTTATT[A>AT]TACTGGCCTTAGCAAATGCAAACAGAGATGAATTTCTGACTAAACCAGAGGTAGCCAGAA-3'